The following is an entry in ClinVar:

ClinVar aggregate classification (germline): Uncertain significance (1 of 4 stars; one submission).

Conditions:
Hereditary cancer-predisposing syndrome. Also called: Neoplastic Syndromes, Hereditary; Tumor predisposition; Hereditary Cancer Syndrome; Hereditary neoplastic syndrome. Identifiers: Orphanet 140162, MedGen C0027672, MeSH D009386, MONDO:0015356.

Submission:

Ambry Genetics
Classification: Uncertain significance for Hereditary cancer-predisposing syndrome. Last evaluated: 2024-09-19. Review status: criteria provided, single submitter. Criteria: Ambry Variant Classification Scheme 2023. Collection method: clinical testing. Allele origin: germline.
Comment: The p.G228C variant (also known as c.682G>T), located in coding exon 6 of the PMS2 gene, results from a G to T substitution at nucleotide position 682. The glycine at codon 228 is replaced by cysteine, an amino acid with highly dissimilar properties. This amino acid position is conserved. In addition, this alteration is predicted to be deleterious by in silico analysis. Based on the available evidence, the clinical significance of this variant remains unclear.

NM_000535.7(PMS2):c.682G>T (p.Gly228Cys)

Gene: PMS2 (PMS1 homolog 2, mismatch repair system component; minus strand). Cytogenetic location: 7p22.1.
Variant type: single nucleotide variant.
Coding change: c.682G>T on transcript NM_000535.7 (MANE Select); coding-DNA position 682, G replaced by T.
Protein change: p.Gly228Cys; replaces glycine 228 with cysteine.
Molecular consequence: missense variant. On other transcripts: 5 prime UTR variant (2), non-coding transcript variant (1), intron variant (9).
Genome position (GRCh38, 1-based): chr7:5,999,131, C>A on the plus strand (G>T on the coding strand, the complement: PMS2 is on the minus strand). VCF-style: chr7-5999131-C-A. GRCh37 (hg19) VCF-style: chr7-6038762-C-A.
Other names: c.277G>T, p.Gly93Cys (NM_001322003.2, NM_001322004.2, NM_001322005.2 and 19 more transcripts); c.682G>T, p.Gly228Cys (NM_001322006.2, NM_001322014.2, NM_001406870.1 and 4 more transcripts); c.364G>T, p.Gly122Cys (NM_001322007.2, NM_001322008.2, NM_001406876.1 and 4 more transcripts); c.-252G>T (NM_001322011.2, NM_001322012.2); c.373G>T, p.Gly125Cys (NM_001322015.2, NM_001406875.1, NM_001406877.1 and 6 more transcripts); c.868G>T, p.Gly290Cys (NM_001406866.1); c.706G>T, p.Gly236Cys (NM_001406868.1); c.346G>T, p.Gly116Cys (NM_001406885.1); and 6 more; short protein forms G116C, G122C, G125C, G290C, G236C, G228C, G93C.
Identifiers: ClinVar variation 3421510 (VCV003421510.1).